The following is an entry in ClinVar:

NM_015557.3(CHD5):c.5752G>A (p.Gly1918Ser)

Gene: CHD5 (chromodomain helicase DNA binding protein 5; minus strand). Cytogenetic location: 1p36.31.
Variant type: single nucleotide variant.
Coding change: c.5752G>A on transcript NM_015557.3 (MANE Select); coding-DNA position 5752, G replaced by A.
Protein change: p.Gly1918Ser; replaces glycine 1918 with serine.
Molecular consequence: missense variant.
Genome position (GRCh38, 1-based): chr1:6,106,500, C>T on the plus strand (G>A on the coding strand, the complement: CHD5 is on the minus strand). VCF-style: chr1-6106500-C-T. GRCh37 (hg19) VCF-style: chr1-6166560-C-T.
Other names: short protein forms G1918S.
Identifiers: ClinVar variation 4850845 (VCV004850845.1).

ClinVar aggregate classification (germline): Uncertain significance (1 of 4 stars; one submission).

Conditions:
Parenti-mignot neurodevelopmental syndrome. Identifiers: MedGen C5676984, MONDO:0859249, OMIM 619873.

gnomAD v4.1: 2 of 1,552,194 alleles (0.00013%); highest among the groups gnomAD compares: Non-Finnish European, 0.00017%; no homozygotes.

Submission:

Clinical Genomic Analysis (GENYSIS) Core, University of North Carolina at Chapel Hill
Classification: Uncertain significance for Parenti-mignot neurodevelopmental syndrome. Last evaluated: 2026-04-30. Review status: criteria provided, single submitter. Criteria: ACMG Guidelines, 2015. Collection method: research. Allele origin: paternal. Observed: 1 variant allele, 1 heterozygote. Study: UNC Genetic Determinants of Neurological and Developmental Disorders (GDNDD) Study.
Comment: CHD5 c.5752G>A, p.(Gly1918Ser) is a missense variant in exon 40 of 42 that changes a single amino acid from a conserved glycine to a serine. This is a rare variant present at an allele frequency of 0.0001% (2/1552194 alleles) in gnomADv4.1. This variant is predicted by SpliceAI to have a 0.67 probability of affecting splicing by creation of an acceptor splice site. However, this information is not sufficient to prove pathogenicity. Given the available evidence, this variant is classified as a variant of uncertain significance.